The following is an entry in ClinVar:

NM_001267550.2(TTN):c.52302A>G (p.Lys17434=)

Genes: TTN-AS1 (TTN antisense RNA 1; plus strand), TTN (titin; minus strand). Cytogenetic location: 2q31.2.
Variant type: single nucleotide variant.
Coding change: c.52302A>G on transcript NM_001267550.2 (MANE Select); coding-DNA position 52302, A replaced by G.
Protein change: p.Lys17434=; no amino-acid change (lysine 17434 retained).
Molecular consequence: synonymous variant.
Genome position (GRCh38, 1-based): chr2:178,608,709, T>C on the plus strand (A>G on the coding strand, the complement: TTN is on the minus strand). VCF-style: chr2-178608709-T-C. GRCh37 (hg19) VCF-style: chr2-179473436-T-C.
Other names: p.Lys15793=; c.47379A>G, p.Lys15793= (NM_001256850.1); c.25107A>G, p.Lys8369= (NM_003319.4); c.44598A>G, p.Lys14866= (NM_133378.4); c.25482A>G, p.Lys8494= (NM_133432.3); c.25683A>G, p.Lys8561= (NM_133437.4).
Identifiers: ClinVar variation 2050154 (VCV002050154.6), dbSNP rs772163329, ClinGen allele CA1994023.

ClinVar aggregate classification (germline): Likely benign. Review status: criteria provided, multiple submitters, no conflicts (2 of 4 stars). 3 submissions from 3 submitters: Likely benign (3). Last evaluated 2025-11-27.

Conditions:
Cardiovascular phenotype. Identifiers: MedGen CN230736.
Autosomal recessive limb-girdle muscular dystrophy type 2J (LGMDR10). Also called: Limb-girdle muscular dystrophy, type 2J; MUSCULAR DYSTROPHY, LIMB-GIRDLE, AUTOSOMAL RECESSIVE 10. Identifiers: Orphanet 140922, MedGen C1837342, MONDO:0012127, OMIM 608807.
Dilated cardiomyopathy 1G (CMD1G). Identifiers: Orphanet 154, MedGen C1858763, MONDO:0011400, OMIM 604145.

Allele frequency attached by ClinVar (database versions not stated): ExAC 0.00001; gnomAD 0.00001.
gnomAD v4.1: 1 of 1,612,390 alleles (0.000062%); highest among the groups gnomAD compares: Non-Finnish European, 0.000085%; no homozygotes.

Submissions (3):

Labcorp Genetics (formerly Invitae), Labcorp
Classification: Likely benign for Dilated cardiomyopathy 1G; Autosomal recessive limb-girdle muscular dystrophy type 2J. Last evaluated: 2025-11-27. Review status: criteria provided, single submitter. Criteria: Invitae Variant Classification Sherloc (09022015). Collection method: clinical testing. Allele origin: germline.

Mayo Clinic Laboratories, Mayo Clinic
Classification: Likely benign. Last evaluated: 2025-09-26. Review status: criteria provided, single submitter. Criteria: ACMG Guidelines, 2015. Collection method: clinical testing. Allele origin: germline. Observed: 1 variant allele.
Comment: BP4, BP7, PM2_supporting

Ambry Genetics
Classification: Likely benign for Cardiovascular phenotype. Last evaluated: 2025-02-13. Review status: criteria provided, single submitter. Criteria: Ambry Variant Classification Scheme 2023. Collection method: clinical testing. Allele origin: germline.